The following is an entry in ClinVar:

ClinVar aggregate classification (germline): Uncertain significance. Review status: criteria provided, multiple submitters, no conflicts (2 of 4 stars). 2 submissions from 2 submitters: Uncertain significance (2). Last evaluated 2021-02-28.

Conditions:
Joubert syndrome 18 (JBTS18). Identifiers: Orphanet 2754, MedGen C3553758, MONDO:0013896, OMIM 614815.
Orofacial-digital syndrome IV (OFD4). Also called: BARAITSER-BURN SYNDROME; MOHR-MAJEWSKI SYNDROME; OFD SYNDROME WITH TIBIAL DEFECTS; OFD SYNDROME, BARAITSER-BURN TYPE; OFDS IV; ORAL-FACIAL-DIGITAL SYNDROME, TYPE IV. Identifiers: Orphanet 2753, MedGen C0406727, MONDO:0009794, OMIM 258860.

Allele frequency attached by ClinVar (database versions not stated): gnomAD exomes 0.00001.
gnomAD v4.1: 7 of 1,551,986 alleles (0.00045%); highest among the groups gnomAD compares: Non-Finnish European, 0.00061%; no homozygotes.

Submissions (2):

Labcorp Genetics (formerly Invitae), Labcorp
Classification: Uncertain significance for Joubert syndrome 18; Orofacial-digital syndrome IV. Last evaluated: 2021-02-28. Review status: criteria provided, single submitter. Criteria: Invitae Variant Classification Sherloc (09022015). Collection method: clinical testing. Allele origin: germline.
Comment: This variant is not present in population databases (ExAC no frequency). This sequence change replaces aspartic acid with tyrosine at codon 108 of the TCTN3 protein (p.Asp108Tyr). The aspartic acid residue is highly conserved and there is a large physicochemical difference between aspartic acid and tyrosine. This variant has not been reported in the literature in individuals with TCTN3-related conditions. In summary, the available evidence is currently insufficient to determine the role of this variant in disease. Therefore, it has been classified as a Variant of Uncertain Significance. Algorithms developed to predict the effect of sequence changes on RNA splicing suggest that this variant may create or strengthen a splice site, but this prediction has not been confirmed by published transcriptional studies. Algorithms developed to predict the effect of missense changes on protein structure and function are either unavailable or do not agree on the potential impact of this missense change (SIFT: "Deleterious"; PolyPhen-2: "Probably Damaging"; Align-GVGD: "Class C15").

Victorian Clinical Genetics Services, Murdoch Childrens Research Institute
Classification: Uncertain significance for Joubert syndrome 18. Last evaluated: 2020-10-19. Review status: criteria provided, single submitter. Criteria: ACMG Guidelines, 2015. Collection method: clinical testing. Allele origin: germline. Inheritance: Autosomal recessive inheritance.
Comment: Based on the classification scheme VCGS_Germline_v1.3.3, this variant is classified as 3B - VUS. Following criteria are met: 0102 - Loss of function is a known mechanism of disease in this gene and is associated with Joubert syndrome (MIM#614815). (I) 0106 - This gene is associated with autosomal recessive disease. (I) 0200 - Variant is predicted to result in a missense amino acid change from aspartic acid to tyrosine. (I) 0251 - This variant is heterozygous. (I) 0301 - Variant is absent from gnomAD (both v2 and v3). (SP) 0309 - An alternative amino acid change at the same position has been observed in gnomAD (v2) (1 heterozygote, 0 homozygotes). (I) 0501 - Missense variant consistently predicted to be damaging by multiple in silico tools or highly conserved with a major amino acid change. (SP) 0604 - Variant is not located in an established domain, motif, hotspot or informative constraint region. (I) 0705 - No comparable missense variants have previous evidence for pathogenicity. (I) 0807 - This variant has no previous evidence of pathogenicity. (I) 0905 - No published segregation evidence has been identified for this variant. (I) 1007 - No published functional evidence has been identified for this variant. (I) Legend: (SP) - Supporting pathogenic, (I) - Information, (SB) - Supporting benign

NM_015631.6(TCTN3):c.322G>T (p.Asp108Tyr)

Gene: TCTN3 (tectonic family member 3; minus strand). Cytogenetic location: 10q24.1.
Variant type: single nucleotide variant.
Coding change: c.322G>T on transcript NM_015631.6 (MANE Select); coding-DNA position 322, G replaced by T.
Protein change: p.Asp108Tyr; replaces aspartic acid 108 with tyrosine.
Molecular consequence: missense variant.
Genome position (GRCh38, 1-based): chr10:95,693,411, C>A on the plus strand (G>T on the coding strand, the complement: TCTN3 is on the minus strand). VCF-style: chr10-95693411-C-A. GRCh37 (hg19) VCF-style: chr10-97453168-C-A.
Other names: c.322G>T, p.Asp108Tyr (NM_001143973.2); short protein forms D108Y.
Identifiers: ClinVar variation 1389459 (VCV001389459.9), dbSNP rs2139767280, ClinGen allele CA377712690.
Genomic context (GRCh38, chr10:95,693,411, plus strand): 5'-ACCTTACGCTGCCTGGAAGGCAGAAGGAGAAAACTGTCCTCGGATGGAGAAGATAGCAGT[C>A]CCTGTCGCAGCAGCAATTTATATCGCAGGCTCCAGGAGTCAAGTCACAGACACAGATCGG-3'
Protein context (NP_056446.4, residues 98-118): ACDINCCCDR[Asp108Tyr]CYLLHPRTVF